The following is an entry in ClinVar:

ClinVar aggregate classification (germline): Uncertain significance (1 of 4 stars; one submission).

Submission:

CeGaT Center for Human Genetics Tuebingen
Classification: Uncertain significance. Last evaluated: 2025-04-01. Review status: criteria provided, single submitter. Criteria: CeGaT Center For Human Genetics Tuebingen Variant Classification Criteria Version 2. Collection method: clinical testing. Allele origin: germline. Affected: yes. Observed: 1 variant allele.
Comment: USP9X: PM2, PP2

NM_001039591.3(USP9X):c.5609T>C (p.Val1870Ala)

Gene: USP9X (ubiquitin specific peptidase 9 X-linked; plus strand). Cytogenetic location: Xp11.4.
Variant type: single nucleotide variant.
Coding change: c.5609T>C on transcript NM_001039591.3 (MANE Select); coding-DNA position 5609, T replaced by C.
Protein change: p.Val1870Ala; replaces valine 1870 with alanine.
Molecular consequence: missense variant.
Genome position (GRCh38, 1-based): chrX:41,216,176, T>C. VCF-style: chrX-41216176-T-C. GRCh37 (hg19) VCF-style: chrX-41075429-T-C.
Other names: c.5609T>C, p.Val1870Ala (NM_001039590.3); c.5624T>C, p.Val1875Ala (NM_001410748.1, NM_001410749.1); short protein forms V1870A, V1875A.
Identifiers: ClinVar variation 3898513 (VCV003898513.7).